The following is an entry in ClinVar:

NM_015072.5(TTLL5):c.1187-2A>G

Gene: TTLL5 (tubulin tyrosine ligase like 5; plus strand). Cytogenetic location: 14q24.3.
Variant type: single nucleotide variant.
Coding change: c.1187-2A>G on transcript NM_015072.5 (MANE Select); the canonical splice acceptor site of the intron before coding-DNA position 1187, A replaced by G.
Molecular consequence: splice acceptor variant.
Genome position (GRCh38, 1-based): chr14:75,735,193, A>G. VCF-style: chr14-75735193-A-G. GRCh37 (hg19) VCF-style: chr14-76201536-A-G.
Identifiers: ClinVar variation 2088705 (VCV002088705.4), dbSNP rs2503134087, ClinGen allele CA390461648.

ClinVar aggregate classification (germline): Likely pathogenic (1 of 4 stars; one submission).

Submission:

Labcorp Genetics (formerly Invitae), Labcorp
Classification: Likely pathogenic. Last evaluated: 2024-02-24. Review status: criteria provided, single submitter. Criteria: Invitae Variant Classification Sherloc (09022015). Collection method: clinical testing. Allele origin: germline.
Comment: This sequence change affects an acceptor splice site in intron 14 of the TTLL5 gene. It is expected to disrupt RNA splicing. Variants that disrupt the donor or acceptor splice site typically lead to a loss of protein function (PMID: 16199547), and loss-of-function variants in TTLL5 are known to be pathogenic (PMID: 24791901, 27162334). This variant is not present in population databases (gnomAD no frequency). This variant has not been reported in the literature in individuals affected with TTLL5-related conditions. ClinVar contains an entry for this variant (Variation ID: 2088705). Algorithms developed to predict the effect of sequence changes on RNA splicing suggest that this variant may disrupt the consensus splice site. In summary, the currently available evidence indicates that the variant is pathogenic, but additional data are needed to prove that conclusively. Therefore, this variant has been classified as Likely Pathogenic.

Literature cited by the submitters: PubMed 16199547; PubMed 24791901; PubMed 27162334.